The following is an entry in ClinVar:

ClinVar aggregate classification (germline): Uncertain significance. Review status: criteria provided, multiple submitters, no conflicts (2 of 4 stars). 2 submissions from 2 submitters: Uncertain significance (2). Last evaluated 2026-08-15.

Conditions:
Dyskeratosis congenita, autosomal dominant 2. Identifiers: MedGen C3151443, MONDO:0013521, OMIM 613989.
Idiopathic Pulmonary Fibrosis. Also called: Idiopathic fibrosing alveolitis, chronic form; idiopathic fibrosing alveolitis. Identifiers: Orphanet 2032, MedGen C1800706, MeSH D054990, MONDO:0800504.
Dyskeratosis congenita. Identifiers: Orphanet 1775, MedGen C0265965, MONDO:0015780.

Submissions (2):

Ambry Genetics
Classification: Uncertain significance for Dyskeratosis congenita. Last evaluated: 2026-08-15. Review status: criteria provided, single submitter. Criteria: Ambry Variant Classification Scheme 2023. Collection method: clinical testing. Allele origin: germline.
Comment: The p.G374E variant (also known as c.1121G>A), located in coding exon 2 of the TERT gene, results from a G to A substitution at nucleotide position 1121. The glycine at codon 374 is replaced by glutamic acid, an amino acid with similar properties. This amino acid position is conserved. In addition, the in silico prediction for this alteration is inconclusive. Based on the available evidence, the clinical significance of this variant remains unclear.

Labcorp Genetics (formerly Invitae), Labcorp
Classification: Uncertain significance for Dyskeratosis congenita, autosomal dominant 2; Idiopathic Pulmonary Fibrosis. Last evaluated: 2021-09-24. Review status: criteria provided, single submitter. Criteria: Invitae Variant Classification Sherloc (09022015). Collection method: clinical testing. Allele origin: germline.
Comment: This sequence change replaces glycine with glutamic acid at codon 374 of the TERT protein (p.Gly374Glu). The glycine residue is moderately conserved and there is a moderate physicochemical difference between glycine and glutamic acid. The frequency data for this variant in the population databases is considered unreliable, as metrics indicate poor data quality at this position in the ExAC database. This variant has not been reported in the literature in individuals with TERT-related conditions. Algorithms developed to predict the effect of missense changes on protein structure and function output the following: SIFT: "Tolerated"; PolyPhen-2: "Possibly Damaging"; Align-GVGD: "Class C0". The glutamic acid amino acid residue is found in multiple mammalian species, suggesting that this missense change does not adversely affect protein function. These predictions have not been confirmed by published functional studies and their clinical significance is uncertain. In summary, the available evidence is currently insufficient to determine the role of this variant in disease. Therefore, it has been classified as a Variant of Uncertain Significance.

NM_198253.3(TERT):c.1121G>A (p.Gly374Glu)

Gene: TERT (telomerase reverse transcriptase; minus strand). Cytogenetic location: 5p15.33.
Variant type: single nucleotide variant.
Coding change: c.1121G>A on transcript NM_198253.3 (MANE Select); coding-DNA position 1121, G replaced by A.
Protein change: p.Gly374Glu; replaces glycine 374 with glutamic acid.
Molecular consequence: missense variant. On other transcripts: non-coding transcript variant (2).
Genome position (GRCh38, 1-based): chr5:1,293,765, C>T on the plus strand (G>A on the coding strand, the complement: TERT is on the minus strand). VCF-style: chr5-1293765-C-T. GRCh37 (hg19) VCF-style: chr5-1293880-C-T.
Other names: c.1121G>A, p.Gly374Glu (NM_001193376.3); c.1121G>A (NM_198253.2); short protein forms G374E.
Identifiers: ClinVar variation 1365057 (VCV001365057.6), dbSNP rs778585289, ClinGen allele CA3184874.